The following is an entry in ClinVar:

ClinVar aggregate classification (germline): Likely benign. Review status: criteria provided, single submitter (1 of 4 stars). 2 submissions from 2 submitters: Likely benign (1). 1 of the submissions does not count toward it. Last evaluated 2025-08-30.

Conditions:
GAMT-related disorder. Also called: GAMT-related condition.
Cerebral creatine deficiency syndrome. Also called: Creatine deficiency syndromes. Identifiers: Orphanet 79172, MedGen C5244016, MONDO:0000456.

Allele frequency attached by ClinVar (database versions not stated): gnomAD 0.00001 and 0.00002; TOPMed 0.00001; ExAC 0.00004; gnomAD exomes 0.00004.
gnomAD v4.1: 58 of 1,613,372 alleles (0.0036%); highest among the groups gnomAD compares: Middle Eastern, 0.016%; no homozygotes.

Submissions (2):

Labcorp Genetics (formerly Invitae), Labcorp
Classification: Likely benign for Cerebral creatine deficiency syndrome. Last evaluated: 2025-08-30. Review status: criteria provided, single submitter. Criteria: Invitae Variant Classification Sherloc (09022015). Collection method: clinical testing. Allele origin: germline.

PreventionGenetics, part of Exact Sciences
Classification: Likely benign for GAMT-related condition. Last evaluated: 2020-01-02. Review status: no assertion criteria provided. Collection method: clinical testing. Allele origin: germline. Not counted in ClinVar's aggregate classification.
Comment: This variant is classified as likely benign based on ACMG/AMP sequence variant interpretation guidelines (Richards et al. 2015 PMID: 25741868, with internal and published modifications).

NM_000156.6(GAMT):c.392-6G>A

Gene: GAMT (guanidinoacetate N-methyltransferase; minus strand). Cytogenetic location: 19p13.3.
Variant type: single nucleotide variant.
Coding change: c.392-6G>A on transcript NM_000156.6 (MANE Select); 6 bases into the intron before coding-DNA position 392, G replaced by A.
Molecular consequence: intron variant.
Genome position (GRCh38, 1-based): chr19:1,399,201, C>T on the plus strand (G>A on the coding strand, the complement: GAMT is on the minus strand). VCF-style: chr19-1399201-C-T. GRCh37 (hg19) VCF-style: chr19-1399200-C-T.
Other names: c.392-6G>A (NM_138924.3).
Identifiers: ClinVar variation 765806 (VCV000765806.12), dbSNP rs753979877, ClinGen allele CA9043677.